The following is an entry in ClinVar:

NM_021942.6(TRAPPC11):c.2753dup (p.Leu918fs)

Gene: TRAPPC11 (trafficking protein particle complex subunit 11; plus strand). Cytogenetic location: 4q35.1.
Variant type: Duplication.
Coding change: c.2753dup on transcript NM_021942.6 (MANE Select); coding-DNA position 2753, one base duplicated (T; older notation c.2753dupT).
Protein change: p.Leu918fs; shifts the reading frame from leucine 918.
Molecular consequence: frameshift variant.
Genome position (GRCh38, 1-based): chr4:183,697,737, T duplicated; the last of 2 consecutive T bases (chr4:183,697,736-183,697,737); duplicating either gives the same sequence. VCF-style (leftmost placement, unchanged base first): chr4-183697735-C-CT. GRCh37 (hg19) VCF-style: chr4-184618888-C-CT.
Other names: c.2753dup, p.Leu918fs (NM_199053.3); short protein forms L918fs.
Identifiers: ClinVar variation 2501243 (VCV002501243.1), dbSNP rs1480951752, ClinGen allele CA557394058.

ClinVar aggregate classification (germline): Likely pathogenic (1 of 4 stars; one submission).

Conditions:
Autosomal recessive limb-girdle muscular dystrophy. Identifiers: Orphanet 102015, MedGen C2931907, MONDO:0015152.

Submission:

Women's Health and Genetics/Laboratory Corporation of America, LabCorp
Classification: Likely pathogenic for Autosomal recessive limb-girdle muscular dystrophy. Last evaluated: 2023-03-27. Review status: criteria provided, single submitter. Criteria: LabCorp Variant Classification Summary - May 2015. Collection method: clinical testing. Allele origin: germline.
Comment: Variant summary: TRAPPC11 c.2753dupT (p.Leu918PhefsX14) results in a premature termination codon, predicted to cause a truncation of the encoded protein or absence of the protein due to nonsense mediated decay, which are commonly known mechanisms for disease. Truncations downstream of this position have been classified as pathogenic by our laboratory. The variant allele was found at a frequency of 4e-06 in 251424 control chromosomes. To our knowledge, no occurrence of c.2753dupT in individuals affected with Limb-Girdle Muscular Dystrophy, Autosomal Recessive and no experimental evidence demonstrating its impact on protein function have been reported. No clinical diagnostic laboratories have submitted clinical-significance assessments for this variant to ClinVar after 2014. Based on the evidence outlined above, the variant was classified as likely pathogenic.